The following is an entry in ClinVar:

ClinVar aggregate classification (germline): Uncertain significance. Review status: criteria provided, multiple submitters, no conflicts (2 of 4 stars). 2 submissions from 2 submitters: Uncertain significance (2). Last evaluated 2025-06-12.

Conditions:
X-linked Alport syndrome (ATS1). Also called: NEPHROPATHY AND DEAFNESS, X-LINKED; COL4A5-Related Nephropathy. Identifiers: Orphanet 63, Orphanet 88917, MedGen C4746986, MONDO:0010520, OMIM 301050.

Allele frequency attached by ClinVar (database versions not stated): TOPMed 0.00001.
gnomAD v4.1: 1 of 1,209,592 alleles (0.000083%); highest among the groups gnomAD compares: African/African-American, 0.0017%; no homozygotes.

Submissions (2):

Labcorp Genetics (formerly Invitae), Labcorp
Classification: Uncertain significance. Last evaluated: 2025-06-12. Review status: criteria provided, single submitter. Criteria: Invitae Variant Classification Sherloc (09022015). Collection method: clinical testing. Allele origin: germline.
Comment: This sequence change replaces cysteine, which is neutral and slightly polar, with phenylalanine, which is neutral and non-polar, at codon 38 of the COL4A5 protein (p.Cys38Phe). This variant is not present in population databases (gnomAD no frequency). This variant has not been reported in the literature in individuals affected with COL4A5-related conditions. ClinVar contains an entry for this variant (Variation ID: 2065004). Invitae Evidence Modeling of protein sequence and biophysical properties (such as structural, functional, and spatial information, amino acid conservation, physicochemical variation, residue mobility, and thermodynamic stability) indicates that this missense variant is expected to disrupt COL4A5 protein function with a positive predictive value of 80%. In summary, the available evidence is currently insufficient to determine the role of this variant in disease. Therefore, it has been classified as a Variant of Uncertain Significance.

Fulgent Genetics
Classification: Uncertain significance for X-linked Alport syndrome. Last evaluated: 2024-05-30. Review status: criteria provided, single submitter. Criteria: ACMG Guidelines, 2015. Collection method: clinical testing. Allele origin: germline.

NM_033380.3(COL4A5):c.113G>T (p.Cys38Phe)

Gene: COL4A5 (collagen type IV alpha 5 chain; plus strand). Cytogenetic location: Xq22.3.
Variant type: single nucleotide variant.
Coding change: c.113G>T on transcript NM_033380.3 (MANE Select); coding-DNA position 113, G replaced by T.
Protein change: p.Cys38Phe; replaces cysteine 38 with phenylalanine.
Molecular consequence: missense variant.
Genome position (GRCh38, 1-based): chrX:108,539,777, G>T. VCF-style: chrX-108539777-G-T. GRCh37 (hg19) VCF-style: chrX-107783007-G-T.
Other names: c.113G>T, p.Cys38Phe (NM_000495.5); short protein forms C38F.
Identifiers: ClinVar variation 2065004 (VCV002065004.5), dbSNP rs1444428109, ClinGen allele CA413908751.
Genomic context (GRCh38, chrX:108,539,777, plus strand): 5'-GATTTTTTCCCTCTTTCTCTTCCTTATAGGCTTGCTATGGGTGTTCTCCAGGATCAAAGT[G>T]TGACTGCAGTGGCATAAAAGGGGAAAAGGTGAGGTCTTAGATTGGCATTTGAAAATTTAG-3'
Protein context (NP_203699.1, residues 28-48): ACYGCSPGSK[Cys38Phe]DCSGIKGEKG